The following is an entry in ClinVar:

ClinVar aggregate classification (germline): Uncertain significance. Review status: criteria provided, multiple submitters, no conflicts (2 of 4 stars). 4 submissions from 4 submitters: Uncertain significance (3). 1 of the submissions does not count toward it. Last evaluated 2022-08-17.

Conditions:
Distal myopathy with anterior tibial onset. Identifiers: Orphanet 178400, MedGen C1847532, MONDO:0011721, OMIM 606768.
Autosomal recessive limb-girdle muscular dystrophy type 2B (LGMDR2). Also called: Limb-girdle muscular dystrophy, type 2B; MUSCULAR DYSTROPHY, LIMB-GIRDLE, TYPE 3; Limb-Girdle Muscular Dystrophy Type 2B (LGMD2B); MUSCULAR DYSTROPHY, LIMB-GIRDLE, AUTOSOMAL RECESSIVE 2. Identifiers: Orphanet 268, MedGen C1850889, MONDO:0009676, OMIM 253601.
Miyoshi muscular dystrophy 1 (MMD1). Identifiers: Orphanet 45448, MedGen C4551973, MONDO:0024545, OMIM 254130.
Neuromuscular disease caused by qualitative or quantitative defects of dysferlin. Also called: Dysferlinopathy; Qualitative or quantitative defects of dysferlin. Identifiers: Orphanet 207073, MedGen C2931687, MONDO:0016145.

Allele frequency attached by ClinVar (database versions not stated): ExAC 0.00001; gnomAD exomes 0.00001 and 0.00004; gnomAD 0.00002 and 0.00003; TOPMed 0.00003.
gnomAD v4.1: 62 of 1,614,082 alleles (0.0038%); highest among the groups gnomAD compares: Non-Finnish European, 0.0051%; no homozygotes.

Submissions (4):

Revvity Omics, Revvity
Classification: Uncertain significance. Last evaluated: 2022-08-17. Review status: criteria provided, single submitter. Criteria: ACMG Guidelines, 2015. Collection method: clinical testing. Allele origin: germline.

Labcorp Genetics (formerly Invitae), Labcorp
Classification: Uncertain significance for Neuromuscular disease caused by qualitative or quantitative defects of dysferlin. Last evaluated: 2022-05-19. Review status: criteria provided, single submitter. Criteria: Invitae Variant Classification Sherloc (09022015). Collection method: clinical testing. Allele origin: germline.
Comment: This sequence change replaces valine, which is neutral and non-polar, with methionine, which is neutral and non-polar, at codon 1417 of the DYSF protein (p.Val1417Met). This variant is present in population databases (rs766924837, gnomAD 0.002%). This variant has not been reported in the literature in individuals affected with DYSF-related conditions. ClinVar contains an entry for this variant (Variation ID: 538622). Advanced modeling of protein sequence and biophysical properties (such as structural, functional, and spatial information, amino acid conservation, physicochemical variation, residue mobility, and thermodynamic stability) performed at Invitae indicates that this missense variant is expected to disrupt DYSF protein function. In summary, the available evidence is currently insufficient to determine the role of this variant in disease. Therefore, it has been classified as a Variant of Uncertain Significance.

Fulgent Genetics
Classification: Uncertain significance for Autosomal recessive limb-girdle muscular dystrophy type 2B; Miyoshi muscular dystrophy 1; Distal myopathy with anterior tibial onset. Last evaluated: 2021-07-23. Review status: criteria provided, single submitter. Criteria: ACMG Guidelines, 2015. Collection method: clinical testing. Allele origin: unknown.

Natera, Inc.
Classification: Uncertain significance for Limb-girdle muscular dystrophy type 2B. Last evaluated: 2020-02-26. Review status: no assertion criteria provided. Collection method: clinical testing. Allele origin: germline. Not counted in ClinVar's aggregate classification.

NM_001130987.2(DYSF):c.4303G>A (p.Val1435Met)

Gene: DYSF (dysferlin; plus strand). Cytogenetic location: 2p13.2.
Variant type: single nucleotide variant.
Coding change: c.4303G>A on transcript NM_001130987.2 (MANE Select); coding-DNA position 4303, G replaced by A.
Protein change: p.Val1435Met; replaces valine 1435 with methionine.
Molecular consequence: missense variant.
Genome position (GRCh38, 1-based): chr2:71,612,722, G>A. VCF-style: chr2-71612722-G-A. GRCh37 (hg19) VCF-style: chr2-71839852-G-A.
Other names: c.4252G>A, p.Val1418Met (NM_001130455.2, NM_001130983.2); c.4207G>A, p.Val1403Met (NM_001130976.2, NM_001130977.2); c.4249G>A, p.Val1417Met (NM_001130978.2, NM_003494.4); c.4342G>A, p.Val1448Met (NM_001130979.2); c.4300G>A, p.Val1434Met (NM_001130980.2, NM_001130981.2); c.4345G>A, p.Val1449Met (NM_001130982.2); c.4210G>A, p.Val1404Met (NM_001130984.2, NM_001130986.2); c.4303G>A, p.Val1435Met (NM_001130985.2); short protein forms V1435M, V1417M, V1403M, V1448M, V1404M, V1418M, V1449M, V1434M.
Identifiers: ClinVar variation 538622 (VCV000538622.7), dbSNP rs766924837, ClinGen allele CA1706964.